The following is an entry in ClinVar:

NM_000238.4(KCNH2):c.1825G>T (p.Asp609Tyr)

Gene: KCNH2 (potassium voltage-gated channel subfamily H member 2; minus strand). Cytogenetic location: 7q36.1.
Variant type: single nucleotide variant.
Coding change: c.1825G>T on transcript NM_000238.4 (MANE Select); coding-DNA position 1825, G replaced by T.
Protein change: p.Asp609Tyr; replaces aspartic acid 609 with tyrosine.
Molecular consequence: missense variant.
Genome position (GRCh38, 1-based): chr7:150,951,568, C>A on the plus strand (G>T on the coding strand, the complement: KCNH2 is on the minus strand). VCF-style: chr7-150951568-C-A. GRCh37 (hg19) VCF-style: chr7-150648656-C-A.
Other names: c.1825G>T (LRG_288t1); c.805G>T, p.Asp269Tyr (NM_001204798.2, NM_172057.3); c.1537G>T, p.Asp513Tyr (NM_001406753.1, NM_001406756.1); c.1648G>T, p.Asp550Tyr (NM_001406755.1); c.1525G>T, p.Asp509Tyr (NM_001406757.1); c.1825G>T, p.Asp609Tyr (NM_172056.3); short protein forms D269Y, D609Y, D513Y, D509Y, D550Y.
Identifiers: ClinVar variation 67288 (VCV000067288.3), dbSNP rs199472941, ClinGen allele CA005605.

ClinVar aggregate classification (germline): not provided (0 of 4 stars; one submission).

Conditions:
Familial long QT syndrome (RWS). Also called: Congenital long QT syndrome; Romano-Ward syndrome; VENTRICULAR FIBRILLATION WITH PROLONGED QT INTERVAL. Identifiers: Orphanet 768, MedGen C1141890, MONDO:0019171.

Submission:

Cardiovascular Biomedical Research Unit, Royal Brompton & Harefield NHS Foundation Trust
No classification provided. Condition: Familial long QT syndrome. Review status: no classification provided. Collection method: literature only. Allele origin: germline.
Comment: This variant has been reported as associated with Long QT syndrome in the following publications (PMID:20541041). This is a literature report, and does not necessarily reflect the clinical interpretation of the Imperial College / Royal Brompton Cardiovascular Genetics laboratory.

Literature cited by the submitters: PubMed 20541041; PubMed 22581653.